The following is an entry in ClinVar:

ClinVar aggregate classification (germline): Uncertain significance (1 of 4 stars; one submission).

Submission:

GeneDx
Classification: Uncertain significance. Last evaluated: 2022-11-16. Review status: criteria provided, single submitter. Criteria: GeneDx Variant Classification Process June 2021. Collection method: clinical testing. Allele origin: germline. Affected: yes.
Comment: Not observed at significant frequency in large population cohorts (gnomAD); In silico analysis supports that this missense variant has a deleterious effect on protein structure/function; In silico analysis suggests this variant may impact gene splicing. In the absence of RNA/functional studies, the actual effect of this sequence change is unknown.; Has not been previously published as pathogenic or benign to our knowledge

NM_006445.4(PRPF8):c.5308G>A (p.Glu1770Lys)

Gene: PRPF8 (pre-mRNA processing factor 8; minus strand). Cytogenetic location: 17p13.3.
Variant type: single nucleotide variant.
Coding change: c.5308G>A on transcript NM_006445.4 (MANE Select); coding-DNA position 5308, G replaced by A.
Protein change: p.Glu1770Lys; replaces glutamic acid 1770 with lysine.
Molecular consequence: missense variant.
Genome position (GRCh38, 1-based): chr17:1,658,594, C>T on the plus strand (G>A on the coding strand, the complement: PRPF8 is on the minus strand). VCF-style: chr17-1658594-C-T. GRCh37 (hg19) VCF-style: chr17-1561888-C-T.
Other names: short protein forms E1770K.
Identifiers: ClinVar variation 2502518 (VCV002502518.1), dbSNP rs2543727429, ClinGen allele CA397572822.